The following is an entry in ClinVar:

ClinVar aggregate classification (germline): Conflicting classifications of pathogenicity. Review status: criteria provided, conflicting classifications (1 of 4 stars). 2 submissions from 2 submitters: Uncertain significance (1); Likely benign (1). Last evaluated 2026-04-10.

Conditions:
SETD5-related disorder. Also called: SETD5-related disorders; SETD5-related condition.
Intellectual disability-facial dysmorphism syndrome due to SETD5 haploinsufficiency (MRD23). Also called: Intellectual developmental disorder, autosomal dominant 23. Identifiers: Orphanet 404440, MedGen C3810406, MONDO:0014336, OMIM 615761.

gnomAD v4.1: 7 of 1,613,026 alleles (0.00043%); highest among the groups gnomAD compares: Non-Finnish European, 0.00051%; no homozygotes.

Submissions (2):

PreventionGenetics, part of Exact Sciences
Classification: Uncertain significance for SETD5-related condition. Last evaluated: 2026-04-10. Review status: criteria provided, single submitter. Criteria: ACMG Guidelines, 2015. Collection method: clinical testing. Allele origin: germline.
Comment: The SETD5 c.4316C>T variant is predicted to result in the amino acid substitution p.Thr1439Met. To our knowledge, this variant has not been reported in the literature or in a large population database (gnomAD), indicating the variant is rare. At this time, the clinical significance of this variant is uncertain due to the absence of conclusive functional and genetic evidence.

Centre for Medical Genetics,  Mumbai
Classification: Likely benign for Intellectual disability-facial dysmorphism syndrome due to SETD5 haploinsufficiency. Last evaluated: 2026-03-12. Review status: criteria provided, single submitter. Criteria: ACMG Guidelines, 2015. Collection method: provider interpretation. Allele origin: germline. Inheritance: Autosomal dominant inheritance. Affected: no. Observed: 1 variant allele, 1 heterozygote.
Comment: The variant satisfies PM2 criteria; Extremely low frequency in gnomAD population databases. However, the variant satisfies BS2 criteria.

Literature cited by the submitters: PubMed 24680889 (cited by Centre for Medical Genetics,  Mumbai).

NM_001080517.3(SETD5):c.4316C>T (p.Thr1439Met)

Gene: SETD5 (SET domain containing 5; plus strand). Cytogenetic location: 3p25.3.
Variant type: single nucleotide variant.
Coding change: c.4316C>T on transcript NM_001080517.3 (MANE Select); coding-DNA position 4316, C replaced by T.
Protein change: p.Thr1439Met; replaces threonine 1439 with methionine.
Molecular consequence: missense variant.
Genome position (GRCh38, 1-based): chr3:9,476,078, C>T. VCF-style: chr3-9476078-C-T. GRCh37 (hg19) VCF-style: chr3-9517762-C-T.
Other names: c.4316C>T (NM_001080517.2); c.4022C>T, p.Thr1341Met (NM_001292043.2, NM_001349451.2); c.4412C>T, p.Thr1471Met (NM_001437633.1); c.4430C>T, p.Thr1477Met (NM_001437635.1); c.4373C>T, p.Thr1458Met (NM_001437643.1); c.4355C>T, p.Thr1452Met (NM_001437701.1); short protein forms T1341M, T1439M, T1452M, T1458M, T1471M, T1477M.
Identifiers: ClinVar variation 4819440 (VCV004819440.2).